The following is an entry in ClinVar:

NM_004700.4(KCNQ4):c.961G>A (p.Gly321Ser)

Gene: KCNQ4 (potassium voltage-gated channel subfamily Q member 4; plus strand). Cytogenetic location: 1p34.2.
Variant type: single nucleotide variant.
Coding change: c.961G>A on transcript NM_004700.4 (MANE Select); coding-DNA position 961, G replaced by A.
Protein change: p.Gly321Ser; replaces glycine 321 with serine.
Molecular consequence: missense variant.
Genome position (GRCh38, 1-based): chr1:40,820,180, G>A. VCF-style: chr1-40820180-G-A. GRCh37 (hg19) VCF-style: chr1-41285852-G-A.
Other names: c.961G>A (NM_004700.3); c.961G>A, p.Gly321Ser (NM_172163.3); short protein forms G321S.
Identifiers: ClinVar variation 6243 (VCV000006243.18), dbSNP rs28939710, ClinGen allele CA340534.
Genomic context (GRCh38, chr1:40,820,180, plus strand): 5'-CCACCACTGCCAGCACATTCCCCCAACCATGCCCTATCCCTCTAGGGCATCCTAGGCTCC[G>A]GCTTTGCCCTGAAGGTCCAGGAGCAGCACCGGCAGAAGCACTTCGAGAAGCGGAGGATGC-3'
Protein context (NP_004691.2, residues 311-331): FALPAGILGS[Gly321Ser]FALKVQEQHR

ClinVar aggregate classification (germline): Pathogenic/Likely pathogenic. Review status: criteria provided, multiple submitters, no conflicts (2 of 4 stars). 9 submissions from 9 submitters: Pathogenic (3); Likely pathogenic (3). 3 of the submissions do not count toward it. Last evaluated 2024-05-24.

Conditions:
KCNQ4-related disorder. Also called: KCNQ4-related condition.
Rare genetic deafness. Identifiers: Orphanet 96210, MedGen C5680250.
Autosomal dominant nonsyndromic hearing loss 2A. Also called: Autosomal dominant nonsyndromic deafness 2A; DFNA2 Nonsyndromic Hearing Loss; Deafness, autosomal dominant 2A. Identifiers: Orphanet 90635, MedGen C2677637, MONDO:0010817, OMIM 600101.

Allele frequency attached by ClinVar (database versions not stated): gnomAD 0.00001.
gnomAD v4.1: 1 of 1,608,748 alleles (0.000062%); highest among the groups gnomAD compares: Non-Finnish European, 0.000085%; no homozygotes.

Submissions (9):

Blueprint Genetics
Classification: Pathogenic for KCNQ4-related disorders. Last evaluated: 2024-05-24. Review status: criteria provided, single submitter. Criteria: ACMG Guidelines, 2015. Collection method: clinical testing. Allele origin: germline. Affected: yes. Observed: 2 variant alleles.

Labcorp Genetics (formerly Invitae), Labcorp
Classification: Likely pathogenic. Last evaluated: 2024-04-11. Review status: criteria provided, single submitter. Criteria: Invitae Variant Classification Sherloc (09022015). Collection method: clinical testing. Allele origin: germline.
Comment: This sequence change replaces glycine, which is neutral and non-polar, with serine, which is neutral and polar, at codon 321 of the KCNQ4 protein (p.Gly321Ser). This variant is present in population databases (rs28939710, gnomAD 0.007%). This missense change has been observed in individuals with autosomal dominant deafness (PMID: 10369879, 34824372, 36344503; Invitae). ClinVar contains an entry for this variant (Variation ID: 6243). Advanced modeling of protein sequence and biophysical properties (such as structural, functional, and spatial information, amino acid conservation, physicochemical variation, residue mobility, and thermodynamic stability) performed at Invitae indicates that this missense variant is expected to disrupt KCNQ4 protein function with a positive predictive value of 95%. Experimental studies have shown that this missense change affects KCNQ4 function (PMID: 20966080, 23750663, 26515070). In summary, the currently available evidence indicates that the variant is pathogenic, but additional data are needed to prove that conclusively. Therefore, this variant has been classified as Likely Pathogenic.

Genome-Nilou Lab
Classification: Likely pathogenic for Autosomal dominant nonsyndromic hearing loss 2A. Last evaluated: 2023-04-11. Review status: criteria provided, single submitter. Criteria: ACMG Guidelines, 2015. Collection method: clinical testing. Allele origin: germline. Affected: no.

GeneDx
Classification: Pathogenic. Last evaluated: 2022-12-01. Review status: criteria provided, single submitter. Criteria: GeneDx Variant Classification Process June 2021. Collection method: clinical testing. Allele origin: germline. Affected: yes.
Comment: Published functional studies demonstrate p.(G321S) results in non-functional channels and significantly reduces KCNQ4 trafficking (Kim et al., 2011; Gao et al., 2013); Not observed at significant frequency in large population cohorts (gnomAD); This variant is associated with the following publications: (PMID: 34316018, 28340560, 23399560, 25525159, 31541171, 21951272, 26036578, 9126484, 8035838, 27619418, 18797286, 23776385, 25116015, 23717403, 11556850, 30556268, 27704564, 17033161, 36140355, 12408061, 24616153, 11252765, 28802383, Zhang2021[Review], 26515070, 10369879, 34824372, 34732400, 20966080, 23750663)

Laboratory for Molecular Medicine, Mass General Brigham Personalized Medicine
Classification: Likely pathogenic for Rare genetic deafness. Last evaluated: 2020-10-14. Review status: criteria provided, single submitter. Criteria: ACMG Guidelines, 2015. Collection method: clinical testing. Allele origin: germline. Inheritance: Autosomal dominant inheritance.
Comment: The p.Gly321Ser variant in KCNQ4 has been previously reported to segregate with autosomal dominant hearing loss in multiple individuals from a large Dutch family (Coucke 1999 PMID: 10369879, Van Camp 1997 PMID: 9126484). It has also been identified in 0.006% (1/15414) of European chromosomes by gnomAD and is present in ClinVar (Variation ID 6243). Functional studies indicate that the variant results in a dominant negative effect (Leitner 2012 PMID: 21951272, Gao 2013 PMID: 23750663), and computational tools and conservation analyses also suggest an impact to the protein. In summary, although additional studies are required to fully establish its clinical significance, this variant meets criteria to be classified as likely pathogenic for autosomal dominant hearing loss. ACMG/AMP Criteria applied: PP1_Moderate, PM2, PP3, PS3_Supporting.

Precision Medicine Center, Zhengzhou University
Classification: Pathogenic for Autosomal dominant nonsyndromic hearing loss 2A. Last evaluated: 2006-06-30. Review status: criteria provided, single submitter. Criteria: ClinGen HL ACMG Specifications v1. Collection method: clinical testing. Allele origin: paternal. Affected: yes.
Comment: PS1+PM2+PS3_supporting+PS4_supporting+PP3+PP1: The KCNQ4 c.961G>A variant results in the same amino acid substitution as a previously established pathogenic variant(PMID: 9126484) (PS1). It is absent or extremely rare in population databases (PM2). Supporting functional studies demonstrate a deleterious effect on protein function (PMID: 20966080, 23750663, 26515070) (PS3_Supporting), at least 2 probands with the variant, and the variant meets PM2 (PMID: 10369879) (PS4_Supporting). Multiple computational prediction tools support a damaging effect (PP3), and segregation in two affected relatives for dominant (PP1). According to the ACMG/AMP guidelines, this variant is classified as Pathogenic.

OMIM
Classification: Pathogenic for DEAFNESS, AUTOSOMAL DOMINANT 2A. Last evaluated: 2026-02-16. Review status: no assertion criteria provided. Collection method: literature only. Allele origin: germline. Not counted in ClinVar's aggregate classification.

Genetic Testing Center for Deafness, Department of Otolaryngology Head & Neck Surgery, Institute of Otolaryngology, Chinese PLA General Hospital
Classification: Likely pathogenic for Autosomal dominant nonsyndromic hearing loss 2A. Last evaluated: 2019-02-26. Review status: no assertion criteria provided. Collection method: case-control. Allele origin: inherited. Affected: yes. Observed: 1 variant allele. Not counted in ClinVar's aggregate classification.

ClinVar Staff, National Center for Biotechnology Information (NCBI)
Classification: Pathogenic for Autosomal dominant nonsyndromic hearing loss 2A. Last evaluated: 2015-08-20. Review status: no assertion criteria provided. Collection method: literature only. Allele origin: germline. Affected: yes. Not counted in ClinVar's aggregate classification.
Comment: This variant used to be reported in GeneReviews NBK1209.

Literature cited by the submitters: PubMed 10369879 (cited by Labcorp Genetics (formerly Invitae), Labcorp and Laboratory for Molecular Medicine, Mass General Brigham Personalized Medicine); PubMed 34824372 (cited by Labcorp Genetics (formerly Invitae), Labcorp); PubMed 36344503 (cited by Labcorp Genetics (formerly Invitae), Labcorp); PubMed 20966080 (cited by Labcorp Genetics (formerly Invitae), Labcorp and Precision Medicine Center, Zhengzhou University); PubMed 23750663 (cited by 3 submitters); PubMed 26515070 (cited by Labcorp Genetics (formerly Invitae), Labcorp and Precision Medicine Center, Zhengzhou University); PubMed 9126484 (cited by Laboratory for Molecular Medicine, Mass General Brigham Personalized Medicine); PubMed 21951272 (cited by Laboratory for Molecular Medicine, Mass General Brigham Personalized Medicine); PubMed 8035838 (cited by OMIM); PubMed 26036578 (cited by ClinVar Staff, National Center for Biotechnology Information (NCBI)); PubMed 20301388 (cited by ClinVar Staff, National Center for Biotechnology Information (NCBI)).